The following is an entry in ClinVar:

ClinVar aggregate classification (germline): Benign (1 of 4 stars; one submission).

Allele frequency attached by ClinVar (database versions not stated): 1000 Genomes Project 0.36042; 1000 Genomes Project 30x 0.36493; TOPMed 0.36641; gnomAD 0.36829 and 0.37030.
gnomAD v4.1: 55,938 of 151,918 alleles (37%); highest among the groups gnomAD compares: African/African-American, 46%; 10,805 homozygotes.

Submission:

GeneDx
Classification: Benign. Last evaluated: 2018-06-14. Review status: criteria provided, single submitter. Criteria: GeneDx Variant Classification (06012015). Collection method: clinical testing. Allele origin: germline. Affected: yes.
Comment: This variant is considered likely benign or benign based on one or more of the following criteria: it is a conservative change, it occurs at a poorly conserved position in the protein, it is predicted to be benign by multiple in silico algorithms, and/or has population frequency not consistent with disease.

NM_001199397.3(NEK1):c.3223-311T>C

Gene: NEK1 (NIMA related kinase 1; minus strand). Cytogenetic location: 4q33.
Variant type: single nucleotide variant.
Coding change: c.3223-311T>C on transcript NM_001199397.3 (MANE Select); 311 bases into the intron before coding-DNA position 3223, T replaced by C.
Molecular consequence: intron variant.
Genome position (GRCh38, 1-based): chr4:169,407,058, A>G on the plus strand (T>C on the coding strand, the complement: NEK1 is on the minus strand). VCF-style: chr4-169407058-A-G. GRCh37 (hg19) VCF-style: chr4-170328209-A-G.
Other names: c.2740-311T>C (NM_001374421.1); c.3088-311T>C (NM_001374420.1); c.2932-311T>C (NM_001199399.3); c.3091-311T>C (NM_001199398.3); c.3139-311T>C (NM_001374419.1, NM_012224.4); c.3007-311T>C (NM_001199400.3); c.3223-311T>C (NM_001374418.1).
Identifiers: ClinVar variation 667931 (VCV000667931.1), dbSNP rs6835759, ClinGen allele CA15309686.